The following is an entry in ClinVar:

NM_004656.4(BAP1):c.1878del (p.Lys626fs)

Gene: BAP1 (BRCA1 associated deubiquitinase 1; minus strand). Cytogenetic location: 3p21.1.
Variant type: Deletion.
Coding change: c.1878del on transcript NM_004656.4 (MANE Select); coding-DNA position 1878, one base deleted (A; older notation c.1878delA).
Protein change: p.Lys626fs; shifts the reading frame from lysine 626.
Molecular consequence: frameshift variant.
Genome position (GRCh38, 1-based): chr3:52,403,150, T deleted on the plus strand (A on the coding strand, the reverse complement: BAP1 is on the minus strand); the first of 3 consecutive T bases (chr3:52,403,150-52,403,152); deleting any one gives the same sequence. VCF-style (leftmost placement, unchanged base first): chr3-52403149-AT-A. GRCh37 (hg19) VCF-style: chr3-52437165-AT-A.
Other names: c.1824del, p.Lys608fs (NM_001410772.1); c.1878delA (NM_004656.2); short protein forms K608fs, K626fs.
Identifiers: ClinVar variation 3254290 (VCV003254290.2), dbSNP rs1705020428.

ClinVar aggregate classification (germline): Pathogenic. Review status: criteria provided, multiple submitters, no conflicts (2 of 4 stars). 2 submissions from 2 submitters: Pathogenic (2). Last evaluated 2026-05-13.

Conditions:
Hereditary cancer-predisposing syndrome. Also called: Neoplastic Syndromes, Hereditary; Tumor predisposition; Hereditary Cancer Syndrome; Hereditary neoplastic syndrome. Identifiers: Orphanet 140162, MedGen C0027672, MeSH D009386, MONDO:0015356.
BAP1-related tumor predisposition syndrome (TPDS1). Also called: Tumor susceptibility linked to germline BAP1 mutations; COMMON Syndrome; TUMOR PREDISPOSITION SYNDROME 1; BAP1 tumor predisposition syndrome. Identifiers: Orphanet 289539, MedGen C3280492, MONDO:0013692, OMIM 614327.

Submissions (2):

Ambry Genetics
Classification: Pathogenic for Hereditary cancer-predisposing syndrome. Last evaluated: 2026-05-13. Review status: criteria provided, single submitter. Criteria: Ambry Variant Classification Scheme 2023. Collection method: clinical testing. Allele origin: germline.
Comment: The c.1878delA pathogenic mutation, located in coding exon 14 of the BAP1 gene, results from a deletion of one nucleotide at nucleotide position 1878, causing a translational frameshift with a predicted alternate stop codon (p.K626Nfs*11). This variant is considered to be rare based on population cohorts in the Genome Aggregation Database (gnomAD). This alteration is expected to result in loss of function by premature protein truncation or nonsense-mediated mRNA decay. As such, this alteration is interpreted as a disease-causing mutation.

Myriad Genetics, Inc.
Classification: Pathogenic for BAP1-related tumor predisposition syndrome. Last evaluated: 2024-06-06. Review status: criteria provided, single submitter. Criteria: Myriad Autosomal Dominant, Autosomal Recessive and X-Linked Classification Criteria (2023). Collection method: clinical testing. Allele origin: unknown.
Comment: This variant is considered pathogenic. This variant creates a frameshift predicted to result in premature protein truncation.